The following is an entry in ClinVar:

NM_001848.3(COL6A1):c.1477C>A (p.Pro493Thr)

Gene: COL6A1 (collagen type VI alpha 1 chain; plus strand). Cytogenetic location: 21q22.3.
Variant type: single nucleotide variant.
Coding change: c.1477C>A on transcript NM_001848.3 (MANE Select); coding-DNA position 1477, C replaced by A.
Protein change: p.Pro493Thr; replaces proline 493 with threonine.
Molecular consequence: missense variant.
Genome position (GRCh38, 1-based): chr21:45,997,715, C>A. VCF-style: chr21-45997715-C-A. GRCh37 (hg19) VCF-style: chr21-47417629-C-A.
Other names: short protein forms P493T.
Identifiers: ClinVar variation 283415 (VCV000283415.19), dbSNP rs760275915, ClinGen allele CA10070350.

ClinVar aggregate classification (germline): Uncertain significance. Review status: criteria provided, multiple submitters, no conflicts (2 of 4 stars). 5 submissions from 5 submitters: Uncertain significance (5). Last evaluated 2025-06-29.

Conditions:
Inborn genetic diseases. Identifiers: MedGen C0950123, MeSH D030342.
Collagen 6-related myopathy. Identifiers: MedGen CN117976, MONDO:0100225.
Bethlem myopathy 1A. Also called: Bethlem myopathy 1; MYOPATHY, BENIGN CONGENITAL, WITH CONTRACTURES; Bethlem Muscular Dystrophy. Identifiers: Orphanet 610, MedGen CN029274, MONDO:0024530, OMIM 158810.

Allele frequency attached by ClinVar (database versions not stated): gnomAD exomes 0.00001; ExAC 0.00002.
gnomAD v4.1: 11 of 1,593,532 alleles (0.00069%); highest among the groups gnomAD compares: South Asian, 0.011%; no homozygotes.

Submissions (5):

Labcorp Genetics (formerly Invitae), Labcorp
Classification: Uncertain significance for Bethlem myopathy 1A. Last evaluated: 2025-06-29. Review status: criteria provided, single submitter. Criteria: Invitae Variant Classification Sherloc (09022015). Collection method: clinical testing. Allele origin: germline.
Comment: This sequence change replaces proline, which is neutral and non-polar, with threonine, which is neutral and polar, at codon 493 of the COL6A1 protein (p.Pro493Thr). The frequency data for this variant in the population databases is considered unreliable, as metrics indicate poor data quality at this position in the gnomAD database. This variant has not been reported in the literature in individuals affected with COL6A1-related conditions. ClinVar contains an entry for this variant (Variation ID: 283415). Invitae Evidence Modeling of protein sequence and biophysical properties (such as structural, functional, and spatial information, amino acid conservation, physicochemical variation, residue mobility, and thermodynamic stability) has been performed for this missense variant. However, the output from this modeling did not meet the statistical confidence thresholds required to predict the impact of this variant on COL6A1 protein function. In summary, the available evidence is currently insufficient to determine the role of this variant in disease. Therefore, it has been classified as a Variant of Uncertain Significance.

Ambry Genetics
Classification: Uncertain significance for Inborn genetic diseases. Last evaluated: 2024-07-25. Review status: criteria provided, single submitter. Criteria: Ambry Variant Classification Scheme 2023. Collection method: clinical testing. Allele origin: germline.

Revvity Omics, Revvity
Classification: Uncertain significance. Last evaluated: 2022-07-22. Review status: criteria provided, single submitter. Criteria: ACMG Guidelines, 2015. Collection method: clinical testing. Allele origin: germline.

Illumina Laboratory Services, Illumina
Classification: Uncertain significance for Collagen VI-related myopathy. Last evaluated: 2018-01-13. Review status: criteria provided, single submitter. Criteria: ICSL Variant Classification Criteria 13 December 2019. Collection method: clinical testing. Allele origin: germline.

Eurofins Ntd Llc (ga)
Classification: Uncertain significance. Last evaluated: 2015-10-06. Review status: criteria provided, single submitter. Criteria: EGL Classification Definitions 2015. Collection method: clinical testing. Allele origin: germline. Observed: 1 variant allele, 1 heterozygote.